The following is an entry in ClinVar:

NM_015662.3(IFT172):c.4050A>G (p.Ala1350=)

Gene: IFT172 (intraflagellar transport 172; minus strand). Cytogenetic location: 2p23.3.
Variant type: single nucleotide variant.
Coding change: c.4050A>G on transcript NM_015662.3 (MANE Select); coding-DNA position 4050, A replaced by G.
Protein change: p.Ala1350=; no amino-acid change (alanine 1350 retained).
Molecular consequence: synonymous variant.
Genome position (GRCh38, 1-based): chr2:27,449,998, T>C on the plus strand (A>G on the coding strand, the complement: IFT172 is on the minus strand). VCF-style: chr2-27449998-T-C. GRCh37 (hg19) VCF-style: chr2-27672865-T-C.
Other names: c.3984A>G, p.Ala1328= (NM_001410739.1).
Identifiers: ClinVar variation 4977145 (VCV004977145.1).

ClinVar aggregate classification (germline): Likely benign (1 of 4 stars; one submission).

Conditions:
IFT172-related disorder. Also called: IFT172-related condition; IFT172-related disorders.

gnomAD v4.1: 17 of 1,609,742 alleles (0.0011%); highest among the groups gnomAD compares: Non-Finnish European, 0.0014%; no homozygotes.

Submission:

PreventionGenetics, part of Exact Sciences
Classification: Likely benign for IFT172-related condition. Last evaluated: 2026-05-08. Review status: criteria provided, single submitter. Criteria: ACMG Guidelines, 2015. Collection method: clinical testing. Allele origin: germline.
Comment: This variant is classified as likely benign based on ACMG/AMP sequence variant interpretation guidelines (Richards et al. 2015 PMID: 25741868, with internal and published modifications).